The following is an entry in ClinVar:

ClinVar aggregate classification (germline): Uncertain significance (1 of 4 stars; one submission).

Allele frequency attached by ClinVar (database versions not stated): gnomAD exomes 0.00001; ExAC 0.00002.
gnomAD v4.1: 4 of 1,614,106 alleles (0.00025%); highest among the groups gnomAD compares: Non-Finnish European, 0.00034%; no homozygotes.

Submission:

GeneDx
Classification: Uncertain significance. Last evaluated: 2022-09-09. Review status: criteria provided, single submitter. Criteria: GeneDx Variant Classification Process June 2021. Collection method: clinical testing. Allele origin: germline. Affected: yes.
Comment: Not observed at significant frequency in large population cohorts (gnomAD); In silico analysis supports that this missense variant does not alter protein structure/function; Has not been previously published as pathogenic or benign to our knowledge

NM_015330.6(SPECC1L):c.2034A>T (p.Glu678Asp)

Genes: SPECC1L (sperm antigen with calponin homology and coiled-coil domains 1 like; plus strand), SPECC1L-ADORA2A (SPECC1L-ADORA2A readthrough (NMD candidate); plus strand). Cytogenetic location: 22q11.23.
Variant type: single nucleotide variant.
Coding change: c.2034A>T on transcript NM_015330.6 (MANE Select); coding-DNA position 2034, A replaced by T.
Protein change: p.Glu678Asp; replaces glutamic acid 678 with aspartic acid.
Molecular consequence: missense variant. On other transcripts: non-coding transcript variant (1).
Genome position (GRCh38, 1-based): chr22:24,324,315, A>T. VCF-style: chr22-24324315-A-T. GRCh37 (hg19) VCF-style: chr22-24720283-A-T.
Other names: c.2034A>T, p.Glu678Asp (NM_001145468.4, NM_001254732.3); short protein forms E678D.
Identifiers: ClinVar variation 2443681 (VCV002443681.1), dbSNP rs762015892, ClinGen allele CA10152222.
Genomic context (GRCh38, chr22:24,324,315, plus strand): 5'-TAAGAAACAAATTGAAGATTTGAATATGACGTTAGAAAAATTAAGATCAGACCTGGATGA[A>T]AAAGAAACAGAAAGGAGTGACATGAAAGAAACCATCTTTGAACTTGAAGATGAAGTAGAA-3'
Protein context (NP_056145.5, residues 668-688): TLEKLRSDLD[Glu678Asp]KETERSDMKE